The following is an entry in ClinVar:

NM_001243133.2(NLRP3):c.224C>T (p.Ala75Val)

Gene: NLRP3 (NLR family pyrin domain containing 3; plus strand). Cytogenetic location: 1q44.
Variant type: single nucleotide variant.
Coding change: c.224C>T on transcript NM_001243133.2 (MANE Select); coding-DNA position 224, C replaced by T.
Protein change: p.Ala75Val; replaces alanine 75 with valine.
Molecular consequence: missense variant.
Genome position (GRCh38, 1-based): chr1:247,419,024, C>T. VCF-style: chr1-247419024-C-T. GRCh37 (hg19) VCF-style: chr1-247582326-C-T.
Other names: c.224C>T, p.Ala75Val (NM_001079821.3, NM_001127461.3, NM_001127462.3 and 1 more transcripts); c.230C>T, p.Ala77Val (NM_004895.5); short protein forms A77V, A75V.
Identifiers: ClinVar variation 234286 (VCV000234286.62), dbSNP rs200288250, ClinGen allele CA1494766.
Genomic context (GRCh38, chr1:247,419,024, plus strand): 5'-TAATGATCGACTTCAATGGGGAGGAGAAGGCGTGGGCCATGGCCGTGTGGATCTTCGCTG[C>T]GATCAACAGGAGAGACCTTTATGAGAAAGCAAAAAGAGATGAGCCGAAGTGGGGTGAGTG-3'
Protein context (NP_001230062.1, residues 65-85): AWAMAVWIFA[Ala75Val]INRRDLYEKA

ClinVar aggregate classification (germline): Conflicting classifications of pathogenicity. Review status: criteria provided, conflicting classifications (1 of 4 stars). 9 submissions from 9 submitters: Uncertain significance (5); Likely benign (4). Last evaluated 2026-03-16.

Conditions:
Autoinflammatory syndrome. Identifiers: Orphanet 93665, MedGen C3890737, MONDO:0019751.
NLRP3-related disorder. Also called: NLRP3-related condition; NLRP3-Related Disorders.
Cryopyrin associated periodic syndrome (CAPS). Identifiers: Orphanet 208650, MedGen C2316212, MONDO:0016168.
Inborn genetic diseases. Identifiers: MedGen C0950123, MeSH D030342.

Allele frequency attached by ClinVar (database versions not stated): ExAC 0.00007; TOPMed 0.00018.
gnomAD v4.1: 282 of 1,613,078 alleles (0.017%); highest among the groups gnomAD compares: Middle Eastern, 0.38%; 1 homozygote.

Submissions (9):

PreventionGenetics, part of Exact Sciences
Classification: Likely benign for NLRP3-related condition. Last evaluated: 2026-03-16. Review status: criteria provided, single submitter. Criteria: ACMG Guidelines, 2015. Collection method: clinical testing. Allele origin: germline.
Comment: This variant is classified as likely benign based on ACMG/AMP sequence variant interpretation guidelines (Richards et al. 2015 PMID: 25741868, with internal and published modifications).

Labcorp Genetics (formerly Invitae), Labcorp
Classification: Likely benign for Cryopyrin associated periodic syndrome. Last evaluated: 2026-02-01. Review status: criteria provided, single submitter. Criteria: Invitae Variant Classification Sherloc (09022015). Collection method: clinical testing. Allele origin: germline.

Women's Health and Genetics/Laboratory Corporation of America, LabCorp
Classification: Likely benign. Last evaluated: 2025-01-03. Review status: criteria provided, single submitter. Criteria: LabCorp Variant Classification Summary - May 2015. Collection method: clinical testing. Allele origin: germline.
Comment: Variant summary: NLRP3 c.230C>T (p.Ala77Val) results in a non-conservative amino acid change located in the PAAD/DAPIN/Pyrin domain (IPR004020) of the encoded protein sequence. Three of five in-silico tools predict a benign effect of the variant on protein function. The variant allele was found at a frequency of 0.00012 in 249554 control chromosomes. The observed variant frequency is approximately 185.93 fold of the estimated maximal expected allele frequency for a pathogenic variant in NLRP3 causing Cryopyrin Associated Periodic Syndrome phenotype (6.3e-07). c.230C>T has been reported in the literature in a heterozygous individual affected with Presumed Ocular Histoplasmosis Syndrome (Li_2020). These report(s) do not provide unequivocal conclusions about association of the variant with Cryopyrin Associated Periodic Syndrome. To our knowledge, no experimental evidence demonstrating an impact on protein function has been reported. The following publication have been ascertained in the context of this evaluation (PMID: 32707200). ClinVar contains an entry for this variant (Variation ID: 234286). Based on the evidence outlined above, the variant was classified as likely benign.

Blueprint Genetics
Classification: Uncertain significance. Last evaluated: 2024-10-14. Review status: criteria provided, single submitter. Criteria: ACMG Guidelines, 2015. Collection method: clinical testing. Allele origin: germline.

Genome Diagnostics Laboratory, The Hospital for Sick Children
Classification: Uncertain significance for Autoinflammatory syndrome. Last evaluated: 2021-04-16. Review status: criteria provided, single submitter. Criteria: ACMG Guidelines, 2015. Collection method: clinical testing. Allele origin: germline. Affected: yes.

GeneDx
Classification: Likely benign. Last evaluated: 2021-02-03. Review status: criteria provided, single submitter. Criteria: GeneDx Variant Classification Process June 2021. Collection method: clinical testing. Allele origin: germline. Affected: yes.
Comment: This variant is associated with the following publications: (PMID: 32707200)

Ambry Genetics
Classification: Uncertain significance for Inborn genetic diseases. Last evaluated: 2020-11-20. Review status: criteria provided, single submitter. Criteria: Ambry Variant Classification Scheme 2023. Collection method: clinical testing. Allele origin: germline.

CeGaT Center for Human Genetics Tuebingen
Classification: Uncertain significance. Last evaluated: 2020-04-01. Review status: criteria provided, single submitter. Criteria: CeGaT Center For Human Genetics Tuebingen Variant Classification Criteria Version 2. Collection method: clinical testing. Allele origin: germline. Affected: yes. Observed: 1 variant allele.

Laboratory for Molecular Medicine, Mass General Brigham Personalized Medicine
Classification: Uncertain significance. Last evaluated: 2019-06-28. Review status: criteria provided, single submitter. Criteria: LMM Criteria. Collection method: clinical testing. Allele origin: germline. Observed: 1 variant allele.
Comment: The p.Ala77Val variant in NLRP3 has not been previously reported in individuals with hearing loss or Cryopyrin-associated periodic syndromes, but has been identified in 0.01% (6/30606) of South Asian chromosomes by gnomAD. This variant has also been reported in ClinVar (Variation ID 234286). Computational prediction tools and conservation analysis suggest that this variant may not impact the protein, though this information is not predictive enough to rule out pathogenicity. In summary, the clinical significance of this variant is uncertain. ACMG/AMP Criteria applied: BP4.

Literature cited by the submitters: PubMed 32707200 (cited by Women's Health and Genetics/Laboratory Corporation of America, LabCorp).